The following is an entry in ClinVar:

ClinVar aggregate classification (germline): Uncertain significance (1 of 4 stars; one submission).

Conditions:
Hypertrophic cardiomyopathy 19. Also called: Familial hypertrophic cardiomyopathy 19. Identifiers: MedGen CN077603, MONDO:0013476.

Submission:

Labcorp Genetics (formerly Invitae), Labcorp
Classification: Uncertain significance for Hypertrophic cardiomyopathy 19. Last evaluated: 2024-03-07. Review status: criteria provided, single submitter. Criteria: Invitae Variant Classification Sherloc (09022015). Collection method: clinical testing. Allele origin: germline.
Comment: This sequence change replaces proline, which is neutral and non-polar, with serine, which is neutral and polar, at codon 134 of the CALR3 protein (p.Pro134Ser). This variant is not present in population databases (gnomAD no frequency). This variant has not been reported in the literature in individuals affected with CALR3-related conditions. An algorithm developed to predict the effect of missense changes on protein structure and function (PolyPhen-2) suggests that this variant is likely to be disruptive. In summary, the available evidence is currently insufficient to determine the role of this variant in disease. Therefore, it has been classified as a Variant of Uncertain Significance.

NM_145046.5(CALR3):c.400C>T (p.Pro134Ser)

Gene: CALR3 (calreticulin 3; minus strand). Cytogenetic location: 19p13.11.
Variant type: single nucleotide variant.
Coding change: c.400C>T on transcript NM_145046.5 (MANE Select); coding-DNA position 400, C replaced by T.
Protein change: p.Pro134Ser; replaces proline 134 with serine.
Molecular consequence: missense variant.
Genome position (GRCh38, 1-based): chr19:16,485,255, G>A on the plus strand (C>T on the coding strand, the complement: CALR3 is on the minus strand). VCF-style: chr19-16485255-G-A. GRCh37 (hg19) VCF-style: chr19-16596066-G-A.
Other names: short protein forms P134S.
Identifiers: ClinVar variation 3644805 (VCV003644805.2).